The following is an entry in ClinVar:

NM_006231.4(POLE):c.6326G>A (p.Cys2109Tyr)

Gene: POLE (DNA polymerase epsilon, catalytic subunit; minus strand). Cytogenetic location: 12q24.33.
Variant type: single nucleotide variant.
Coding change: c.6326G>A on transcript NM_006231.4 (MANE Select); coding-DNA position 6326, G replaced by A.
Protein change: p.Cys2109Tyr; replaces cysteine 2109 with tyrosine.
Molecular consequence: missense variant.
Genome position (GRCh38, 1-based): chr12:132,632,319, C>T on the plus strand (G>A on the coding strand, the complement: POLE is on the minus strand). VCF-style: chr12-132632319-C-T. GRCh37 (hg19) VCF-style: chr12-133208905-C-T.
Other names: short protein forms C2109Y.
Identifiers: ClinVar variation 3364972 (VCV003364972.1).

ClinVar aggregate classification (germline): Uncertain significance (1 of 4 stars; one submission).

gnomAD v4.1: 1 of 1,613,606 alleles (0.000062%); highest among the groups gnomAD compares: Non-Finnish European, 0.000085%; no homozygotes.

Submission:

GeneDx
Classification: Uncertain significance. Last evaluated: 2023-11-28. Review status: criteria provided, single submitter. Criteria: GeneDx Variant Classification Process June 2021. Collection method: clinical testing. Allele origin: germline. Affected: yes.
Comment: Not observed at significant frequency in large population cohorts (gnomAD); In silico analysis supports that this missense variant has a deleterious effect on protein structure/function; Has not been previously published as pathogenic or benign to our knowledge